The following is an entry in ClinVar:

ClinVar aggregate classification (germline): Pathogenic (1 of 4 stars; one submission).

Conditions:
Retinitis pigmentosa 12 (RP12). Also called: RP WITH OR WITHOUT PRESERVED PARAARTERIOLE RETINAL PIGMENT EPITHELIUM; RETINITIS PIGMENTOSA WITH OR WITHOUT PARAARTERIOLAR PRESERVATION OF RETINAL PIGMENT EPITHELIUM; RP WITH OR WITHOUT PPRPE. Identifiers: Orphanet 791, MedGen C1838647, MONDO:0010818, OMIM 600105.
Leber congenital amaurosis 8 (LCA8). Identifiers: Orphanet 65, MedGen C3151202, MONDO:0013453, OMIM 613835.

Submission:

Labcorp Genetics (formerly Invitae), Labcorp
Classification: Pathogenic for Leber congenital amaurosis 8; Retinitis pigmentosa 12. Last evaluated: 2022-05-24. Review status: criteria provided, single submitter. Criteria: Invitae Variant Classification Sherloc (09022015). Collection method: clinical testing. Allele origin: germline.
Comment: For these reasons, this variant has been classified as Pathogenic. This variant disrupts the p.Gly899 amino acid residue in CRB1. Other variant(s) that disrupt this residue have been determined to be pathogenic (Invitae). This suggests that this residue is clinically significant, and that variants that disrupt this residue are likely to be disease-causing. Algorithms developed to predict the effect of sequence changes on RNA splicing suggest that this variant may disrupt the consensus splice site. Advanced modeling of protein sequence and biophysical properties (such as structural, functional, and spatial information, amino acid conservation, physicochemical variation, residue mobility, and thermodynamic stability) performed at Invitae indicates that this missense variant is expected to disrupt CRB1 protein function. This missense change has been observed in individuals with CRB1-related conditions (PMID: 23379534; Invitae). This variant is not present in population databases (gnomAD no frequency). This sequence change replaces glycine, which is neutral and non-polar, with alanine, which is neutral and non-polar, at codon 899 of the CRB1 protein (p.Gly899Ala).

Literature cited by the submitters: PubMed 23379534.

NM_201253.3(CRB1):c.2696G>C (p.Gly899Ala)

Gene: CRB1 (crumbs cell polarity complex component 1; plus strand). Cytogenetic location: 1q31.3.
Variant type: single nucleotide variant.
Coding change: c.2696G>C on transcript NM_201253.3 (MANE Select); coding-DNA position 2696, G replaced by C.
Protein change: p.Gly899Ala; replaces glycine 899 with alanine.
Molecular consequence: missense variant. On other transcripts: non-coding transcript variant (2), intron variant (1).
Genome position (GRCh38, 1-based): chr1:197,429,468, G>C. VCF-style: chr1-197429468-G-C. GRCh37 (hg19) VCF-style: chr1-197398598-G-C.
Other names: c.2360G>C, p.Gly787Ala (NM_001193640.2); c.2624G>C, p.Gly875Ala (NM_001257965.2); c.2129-6132G>C (NM_001257966.2); short protein forms G787A, G875A, G899A.
Identifiers: ClinVar variation 2202910 (VCV002202910.4), dbSNP rs1254393801, ClinGen allele CA344040428.